The following is an entry in ClinVar:

ClinVar aggregate classification (germline): Pathogenic (1 of 4 stars; one submission).

Conditions:
Sitosterolemia (STSL). Also called: PHYTOSTEROLEMIA. Identifiers: Orphanet 2882, MedGen C0342907, MONDO:0008863.

Submission:

Labcorp Genetics (formerly Invitae), Labcorp
Classification: Pathogenic for Sitosterolemia. Last evaluated: 2023-01-31. Review status: criteria provided, single submitter. Criteria: Invitae Variant Classification Sherloc (09022015). Collection method: clinical testing. Allele origin: germline.
Comment: This sequence change creates a premature translational stop signal (p.His510Thrfs*2) in the ABCG5 gene. It is expected to result in an absent or disrupted protein product. Loss-of-function variants in ABCG5 are known to be pathogenic (PMID: 11138003, 25665839). This variant is present in population databases (no rsID available, gnomAD 0.003%). This premature translational stop signal has been observed in individual(s) with clinical features of sitosterolemia (PMID: 26892138). For these reasons, this variant has been classified as Pathogenic.

Literature cited by the submitters: PubMed 11138003; PubMed 25665839; PubMed 26892138.

NM_022436.3(ABCG5):c.1528del (p.His510fs)

Genes: ABCG5 (ATP binding cassette subfamily G member 5; minus strand), DYNC2LI1 (dynein cytoplasmic 2 light intermediate chain 1; plus strand). Cytogenetic location: 2p21.
Variant type: Deletion.
Coding change: c.1528del on transcript NM_022436.3 (MANE Select); coding-DNA position 1528, one base deleted (C; older notation c.1528delC).
Protein change: p.His510fs; shifts the reading frame from histidine 510.
Molecular consequence: frameshift variant. On other transcripts: intron variant (2).
Genome position (GRCh38, 1-based): chr2:43,820,036, G deleted on the plus strand (C on the coding strand, the reverse complement: ABCG5 is on the minus strand); the first of 6 consecutive G bases (chr2:43,820,036-43,820,041); deleting any one gives the same sequence. VCF-style (leftmost placement, unchanged base first): chr2-43820035-TG-T. GRCh37 (hg19) VCF-style: chr2-44047174-TG-T.
Other names: c.*16-7345del (NM_001348913.2, NM_001348912.2); short protein forms H510fs.
Identifiers: ClinVar variation 2203052 (VCV002203052.3), dbSNP rs1404218188, ClinGen allele CA532702928.